The following is an entry in ClinVar:

NM_000059.4(BRCA2):c.9738C>A (p.Ala3246=)

Gene: BRCA2 (BRCA2 DNA repair associated; plus strand). Cytogenetic location: 13q13.1.
Variant type: single nucleotide variant.
Coding change: c.9738C>A on transcript NM_000059.4 (MANE Select); coding-DNA position 9738, C replaced by A.
Protein change: p.Ala3246=; no amino-acid change (alanine 3246 retained).
Molecular consequence: synonymous variant.
Genome position (GRCh38, 1-based): chr13:32,398,251, C>A. VCF-style: chr13-32398251-C-A. GRCh37 (hg19) VCF-style: chr13-32972388-C-A.
Identifiers: ClinVar variation 184214 (VCV000184214.21), dbSNP rs80359811, ClinGen allele CA026289.
Genomic context (GRCh38, chr13:32,398,251, plus strand): 5'-TCAAAGTCCTTTATCACTTTGTATGGCCAAAAGGAAGTCTGTTTCCACACCTGTCTCAGC[C>A]CAGATGACTTCAAAGTCTTGTAAAGGGGAGAAAGAGATTGATGACCAAAAGAACTGCAAA-3'
Protein context (NP_000050.3, residues 3236-3256): KRKSVSTPVS[Ala3246=]QMTSKSCKGE

ClinVar aggregate classification (germline): Likely benign. Review status: reviewed by expert panel (3 of 4 stars). 5 submissions from 5 submitters: Likely benign (1). 4 of the submissions do not count toward it. Last evaluated 2017-06-29.

Conditions:
Hereditary cancer-predisposing syndrome. Also called: Tumor predisposition; Hereditary Cancer Syndrome; Hereditary neoplastic syndrome; Neoplastic Syndromes, Hereditary. Identifiers: Orphanet 140162, MedGen C0027672, MeSH D009386, MONDO:0015356.
Hereditary breast ovarian cancer syndrome. Also called: Breast and ovarian cancer; Hereditary breast and ovarian cancer syndrome; Hereditary breast and ovarian cancer; BRCA1- and BRCA2-Associated Hereditary Breast and Ovarian Cancer; Hereditary breast and ovarian cancer syndrome (HBOC); Hereditary breast and/or ovarian cancer syndrome. Identifiers: Orphanet 145, MedGen C0677776, MeSH D061325, MONDO:0003582. Disease mechanism: loss of function.
Breast-ovarian cancer, familial, susceptibility to, 2 (BROVCA2). Also called: BRCA2 Hereditary Breast and Ovarian Cancer. Identifiers: Orphanet 145, MedGen C2675520, MONDO:0012933, OMIM 612555. Disease mechanism: loss of function.

gnomAD v4.1: 1 of 1,614,042 alleles (0.000062%); highest among the groups gnomAD compares: Non-Finnish European, 0.000085%; no homozygotes.

Submissions (5):

Evidence-based Network for the Interpretation of Germline Mutant Alleles (ENIGMA)
Classification: Likely benign for Breast-ovarian cancer, familial, susceptibility to, 2. Last evaluated: 2017-06-29. Review status: reviewed by expert panel. Criteria: ENIGMA BRCA1/2 Classification Criteria (2017-06-29). Collection method: curation. Allele origin: germline.
Comment: Synonymous substitution variant, with low bioinformatic likelihood to result in a splicing aberration (Splicing prior probability 0.02).

Labcorp Genetics (formerly Invitae), Labcorp
Classification: Benign for Hereditary breast ovarian cancer syndrome. Last evaluated: 2025-09-03. Review status: criteria provided, single submitter. Criteria: Invitae Variant Classification Sherloc (09022015). Collection method: clinical testing. Allele origin: germline. Not counted in ClinVar's aggregate classification.

Women's Health and Genetics/Laboratory Corporation of America, LabCorp
Classification: Likely benign. Last evaluated: 2019-08-21. Review status: criteria provided, single submitter. Criteria: LabCorp Variant Classification Summary - May 2015. Collection method: clinical testing. Allele origin: germline. Not counted in ClinVar's aggregate classification.

Ambry Genetics
Classification: Likely benign for Hereditary cancer-predisposing syndrome. Last evaluated: 2017-11-28. Review status: criteria provided, single submitter. Criteria: Ambry Variant Classification Scheme 2023. Collection method: clinical testing. Allele origin: germline. Not counted in ClinVar's aggregate classification.

Color Diagnostics, LLC DBA Color Health
Classification: Likely benign for Hereditary cancer-predisposing syndrome. Last evaluated: 2017-08-23. Review status: criteria provided, single submitter. Criteria: ACMG Guidelines, 2015. Collection method: clinical testing. Allele origin: germline. Not counted in ClinVar's aggregate classification.